The following is an entry in ClinVar:

NM_000489.6(ATRX):c.1843T>C (p.Tyr615His)

Gene: ATRX (ATRX chromatin remodeler; minus strand). Cytogenetic location: Xq21.1.
Variant type: single nucleotide variant.
Coding change: c.1843T>C on transcript NM_000489.6 (MANE Select); coding-DNA position 1843, T replaced by C.
Protein change: p.Tyr615His; replaces tyrosine 615 with histidine.
Molecular consequence: missense variant.
Genome position (GRCh38, 1-based): chrX:77,683,413, A>G on the plus strand (T>C on the coding strand, the complement: ATRX is on the minus strand). VCF-style: chrX-77683413-A-G. GRCh37 (hg19) VCF-style: chrX-76938905-A-G.
Other names: c.1729T>C, p.Tyr577His (NM_138270.5); short protein forms Y577H, Y615H.
Identifiers: ClinVar variation 3773961 (VCV003773961.1).

ClinVar aggregate classification (germline): Uncertain significance (1 of 4 stars; one submission).

Submission:

GeneDx
Classification: Uncertain significance. Last evaluated: 2024-09-23. Review status: criteria provided, single submitter. Criteria: GeneDx Variant Classification Process June 2021. Collection method: clinical testing. Allele origin: germline. Affected: yes.
Comment: Not observed at significant frequency in large population cohorts (gnomAD); In silico analysis indicates that this missense variant does not alter protein structure/function; Has not been previously published as pathogenic or benign to our knowledge